The following is an entry in ClinVar:

NM_000363.5(TNNI3):c.496T>C (p.Ser166Pro)

Gene: TNNI3 (troponin I3, cardiac type; minus strand). Cytogenetic location: 19q13.42.
Variant type: single nucleotide variant.
Coding change: c.496T>C on transcript NM_000363.5 (MANE Select); coding-DNA position 496, T replaced by C.
Protein change: p.Ser166Pro; replaces serine 166 with proline.
Molecular consequence: missense variant.
Genome position (GRCh38, 1-based): chr19:55,154,083, A>G on the plus strand (T>C on the coding strand, the complement: TNNI3 is on the minus strand). VCF-style: chr19-55154083-A-G. GRCh37 (hg19) VCF-style: chr19-55665451-A-G.
Other names: short protein forms S166P.
Identifiers: ClinVar variation 977172 (VCV000977172.1), dbSNP rs1599909123, ClinGen allele CA407440328.

ClinVar aggregate classification (germline): Uncertain significance (0 of 4 stars; one submission).

Conditions:
Primary dilated cardiomyopathy (DCM). Also called: Dilated Cardiomyopathy. Identifiers: Orphanet 217604, MedGen C0007193, MeSH D002311, MONDO:0005021, HP:0001644. Inheritance: Various modes of inheritance.

Submission:

Agnes Ginges Centre for Molecular Cardiology, Centenary Institute
Classification: Uncertain significance for Primary dilated cardiomyopathy. Last evaluated: 2019-11-28. Review status: no assertion criteria provided. Collection method: research. Allele origin: germline. Inheritance: Autosomal dominant inheritance. Affected: yes.
Comment: The TNNI3 Ser166Pro variant has not been reported previously, and is absent in the Genome Aggregation Database. Computational tools MutationTaster, and PolyPhen-2 predict this variant to have a deleterious effect, however SIFT predicts this variant to be "tolerated". In summary, based on limited information from the literature, rarity in the general population and lack of segregation we classify TNNI3 Ser166Pro as a variant of "uncertain significance".